The following is an entry in ClinVar:

NM_017435.5(SLCO1C1):c.157T>A (p.Tyr53Asn)

Gene: SLCO1C1 (solute carrier organic anion transporter family member 1C1; plus strand). Cytogenetic location: 12p12.2.
Variant type: single nucleotide variant.
Coding change: c.157T>A on transcript NM_017435.5 (MANE Select); coding-DNA position 157, T replaced by A.
Protein change: p.Tyr53Asn; replaces tyrosine 53 with asparagine.
Molecular consequence: missense variant. On other transcripts: intron variant (1).
Genome position (GRCh38, 1-based): chr12:20,701,345, T>A. VCF-style: chr12-20701345-T-A. GRCh37 (hg19) VCF-style: chr12-20854279-T-A.
Other names: c.157T>A, p.Tyr53Asn (NM_001145946.2, NM_001145945.2); c.-83-4604T>A (NM_001145944.2); short protein forms Y53N.
Identifiers: ClinVar variation 2642774 (VCV002642774.24), dbSNP rs753658338, ClinGen allele CA384094620.

ClinVar aggregate classification (germline): Uncertain significance (1 of 4 stars; one submission).

Submission:

CeGaT Center for Human Genetics Tuebingen
Classification: Uncertain significance. Last evaluated: 2023-01-01. Review status: criteria provided, single submitter. Criteria: CeGaT Center For Human Genetics Tuebingen Variant Classification Criteria Version 2. Collection method: clinical testing. Allele origin: germline. Affected: yes. Observed: 1 variant allele.
Comment: SLCO1C1: PM2